The following is an entry in ClinVar:

ClinVar aggregate classification (germline): Uncertain significance (1 of 4 stars; one submission).

Submission:

Labcorp Genetics (formerly Invitae), Labcorp
Classification: Uncertain significance. Last evaluated: 2025-11-04. Review status: criteria provided, single submitter. Criteria: Invitae Variant Classification Sherloc (09022015). Collection method: clinical testing. Allele origin: germline.
Comment: This sequence change replaces glycine, which is neutral and non-polar, with arginine, which is basic and polar, at codon 231 of the TNFAIP3 protein (p.Gly231Arg). This variant is not present in population databases (gnomAD no frequency). This variant has not been reported in the literature in individuals affected with TNFAIP3-related conditions. ClinVar contains an entry for this variant (Variation ID: 2842180). Invitae Evidence Modeling of protein sequence and biophysical properties (such as structural, functional, and spatial information, amino acid conservation, physicochemical variation, residue mobility, and thermodynamic stability) indicates that this missense variant is expected to disrupt TNFAIP3 protein function with a positive predictive value of 80%. In summary, the available evidence is currently insufficient to determine the role of this variant in disease. Therefore, it has been classified as a Variant of Uncertain Significance.

NM_001270508.2(TNFAIP3):c.691G>A (p.Gly231Arg)

Genes: TNFAIP3 (TNF alpha induced protein 3; plus strand), LOC126859807 (MED14-independent group 3 enhancer GRCh37_chr6:138196296-138197495; plus strand). Cytogenetic location: 6q23.3.
Variant type: single nucleotide variant.
Coding change: c.691G>A on transcript NM_001270508.2 (MANE Select); coding-DNA position 691, G replaced by A.
Protein change: p.Gly231Arg; replaces glycine 231 with arginine.
Molecular consequence: missense variant.
Genome position (GRCh38, 1-based): chr6:137,876,052, G>A. VCF-style: chr6-137876052-G-A. GRCh37 (hg19) VCF-style: chr6-138197189-G-A.
Other names: c.691G>A, p.Gly231Arg (NM_001270507.2, NM_006290.4); short protein forms G231R.
Identifiers: ClinVar variation 2842180 (VCV002842180.3), dbSNP rs2114484975, ClinGen allele CA365784169.